The following is an entry in ClinVar:

NM_033088.4(STRIP1):c.650+10G>A

Gene: STRIP1 (striatin interacting protein 1; plus strand). Cytogenetic location: 1p13.3.
Variant type: single nucleotide variant.
Coding change: c.650+10G>A on transcript NM_033088.4 (MANE Select); 10 bases into the intron after coding-DNA position 650, G replaced by A.
Molecular consequence: intron variant.
Genome position (GRCh38, 1-based): chr1:110,040,713, G>A. VCF-style: chr1-110040713-G-A. GRCh37 (hg19) VCF-style: chr1-110583335-G-A.
Other names: c.365+10G>A (NM_001270768.2).
Identifiers: ClinVar variation 930957 (VCV000930957.4), dbSNP rs72687299, ClinGen allele CA996871.

ClinVar aggregate classification (germline): Uncertain significance. Review status: criteria provided, multiple submitters, no conflicts (2 of 4 stars). 2 submissions from 2 submitters: Uncertain significance (2). Last evaluated 2018-10-31.

Allele frequency attached by ClinVar (database versions not stated): TOPMed below 0.00001; ExAC 0.00001; gnomAD exomes 0.00001; 1000 Genomes Project 30x 0.00016; 1000 Genomes Project 0.00020.
gnomAD v4.1: 3 of 1,606,938 alleles (0.00019%); highest among the groups gnomAD compares: Non-Finnish European, 0.00025%; no homozygotes.

Submissions (2):

Centre for Mendelian Genomics, University Medical Centre Ljubljana
Classification: Uncertain significance. Last evaluated: 2018-10-31. Review status: criteria provided, single submitter. Criteria: ACMG Guidelines, 2015. Collection method: clinical testing. Allele origin: unknown. Affected: yes.
Comment: This variant was classified as: Uncertain significance. The available evidence on this variant's pathogenicity is insufficient or conflicting. The following ACMG criteria were applied in classifying this variant: PS2,PM2.

Breakthrough Genomics
Classification: Uncertain significance. Review status: criteria provided, single submitter. Criteria: ACMG Guidelines, 2015. Collection method: not provided. Allele origin: germline. Inheritance: Unknown mechanism. Affected: yes.